The following is an entry in ClinVar:

ClinVar aggregate classification (germline): Uncertain significance (1 of 4 stars; one submission).

Conditions:
Hereditary cancer-predisposing syndrome. Also called: Neoplastic Syndromes, Hereditary; Tumor predisposition; Hereditary Cancer Syndrome; Hereditary neoplastic syndrome. Identifiers: Orphanet 140162, MedGen C0027672, MeSH D009386, MONDO:0015356.

Submission:

Ambry Genetics
Classification: Uncertain significance for Hereditary cancer-predisposing syndrome. Last evaluated: 2025-07-22. Review status: criteria provided, single submitter. Criteria: Ambry Variant Classification Scheme 2023. Collection method: clinical testing. Allele origin: germline.
Comment: The p.S183P variant (also known as c.547T>C), located in coding exon 3 of the VHL gene, results from a T to C substitution at nucleotide position 547. The serine at codon 183 is replaced by proline, an amino acid with similar properties. This variant was determined to be functionally neutral in one saturation genome editing assay (Buckley M et al. Nat Genet, 2024 Jul;56:1446-1455). This amino acid position is highly conserved in available vertebrate species. In addition, this alteration is predicted to be deleterious by in silico analysis. Based on the available evidence, the clinical significance of this variant remains unclear.

Literature cited by the submitters: PubMed 38969834.

NM_000551.4(VHL):c.547T>C (p.Ser183Pro)

Genes: VHL (von Hippel-Lindau tumor suppressor; plus strand), LOC107303340 (3p25 von Hippel-Lindau tumor suppressor, E3 ubiquitin protein ligase Alu-mediated recombination region; plus strand). Cytogenetic location: 3p25.3.
Variant type: single nucleotide variant.
Coding change: c.547T>C on transcript NM_000551.4 (MANE Select); coding-DNA position 547, T replaced by C.
Protein change: p.Ser183Pro; replaces serine 183 with proline.
Molecular consequence: missense variant. On other transcripts: 3 prime UTR variant (1), non-coding transcript variant (1).
Genome position (GRCh38, 1-based): chr3:10,149,870, T>C. VCF-style: chr3-10149870-T-C. GRCh37 (hg19) VCF-style: chr3-10191554-T-C.
Other names: c.*101T>C (NM_001354723.2); c.424T>C, p.Ser142Pro (NM_198156.3); short protein forms S142P, S183P.
Identifiers: ClinVar variation 4198755 (VCV004198755.1).
Genomic context (GRCh38, chr3:10,149,870, plus strand): 5'-CTCCAGGTTGTCCGGAGCCTAGTCAAGCCTGAGAATTACAGGAGACTGGACATCGTCAGG[T>C]CGCTCTACGAAGATCTGGAAGACCACCCAAATGTGCAGAAAGACCTGGAGCGGCTGACAC-3'
Protein context (NP_000542.1, residues 173-193): ENYRRLDIVR[Ser183Pro]LYEDLEDHPN